The following is an entry in ClinVar:

NM_032242.4(PLXNA1):c.3451G>A (p.Val1151Ile)

Gene: PLXNA1 (plexin A1; plus strand). Cytogenetic location: 3q21.3.
Variant type: single nucleotide variant.
Coding change: c.3451G>A on transcript NM_032242.4 (MANE Select); coding-DNA position 3451, G replaced by A.
Protein change: p.Val1151Ile; replaces valine 1151 with isoleucine.
Molecular consequence: missense variant.
Genome position (GRCh38, 1-based): chr3:127,017,599, G>A. VCF-style: chr3-127017599-G-A. GRCh37 (hg19) VCF-style: chr3-126736442-G-A.
Other names: short protein forms V1151I.
Identifiers: ClinVar variation 3934758 (VCV003934758.2).

ClinVar aggregate classification (germline): Uncertain significance. Review status: criteria provided, multiple submitters, no conflicts (2 of 4 stars). 2 submissions from 2 submitters: Uncertain significance (2). Last evaluated 2026-05-12.

Conditions:
PLXNA1-related disorder. Also called: PLXNA1-related condition.

gnomAD v4.1: 21 of 1,613,422 alleles (0.0013%); highest among the groups gnomAD compares: African/African-American, 0.0053%; no homozygotes.

Submissions (2):

PreventionGenetics, part of Exact Sciences
Classification: Uncertain significance for PLXNA1-related condition. Last evaluated: 2026-05-12. Review status: criteria provided, single submitter. Criteria: ACMG Guidelines, 2015. Collection method: clinical testing. Allele origin: germline.
Comment: The PLXNA1 c.3451G>A variant is predicted to result in the amino acid substitution p.Val1151Ile. To our knowledge, this variant has not been reported in the literature. This variant is reported in 0.0080% of alleles in individuals of African descent in gnomAD. At this time, the clinical significance of this variant is uncertain due to the absence of conclusive functional and genetic evidence.

Ambry Genetics
Classification: Uncertain significance. Last evaluated: 2025-05-30. Review status: criteria provided, single submitter. Criteria: Ambry Variant Classification Scheme 2023. Collection method: clinical testing. Allele origin: germline.